The following is an entry in ClinVar:

NM_032816.5(CEP89):c.961A>G (p.Thr321Ala)

Gene: CEP89 (centrosomal protein 89; minus strand). Cytogenetic location: 19q13.11.
Variant type: single nucleotide variant.
Coding change: c.961A>G on transcript NM_032816.5 (MANE Select); coding-DNA position 961, A replaced by G.
Protein change: p.Thr321Ala; replaces threonine 321 with alanine.
Molecular consequence: missense variant.
Genome position (GRCh38, 1-based): chr19:32,931,497, T>C on the plus strand (A>G on the coding strand, the complement: CEP89 is on the minus strand). VCF-style: chr19-32931497-T-C. GRCh37 (hg19) VCF-style: chr19-33422403-T-C.
Other names: short protein forms T321A.
Identifiers: ClinVar variation 2367450 (VCV002367450.5), dbSNP rs150663365, ClinGen allele CA9359470.

ClinVar aggregate classification (germline): Uncertain significance. Review status: criteria provided, multiple submitters, no conflicts (2 of 4 stars). 2 submissions from 2 submitters: Uncertain significance (2). Last evaluated 2024-07-06.

Allele frequency attached by ClinVar (database versions not stated): gnomAD 0.00007; TOPMed 0.00009; ExAC 0.00012; gnomAD exomes 0.00020; ESP Exome Variant Server 0.00023.
gnomAD v4.1: 315 of 1,591,242 alleles (0.02%); highest among the groups gnomAD compares: Non-Finnish European, 0.024%; no homozygotes.

Submissions (2):

Labcorp Genetics (formerly Invitae), Labcorp
Classification: Uncertain significance. Last evaluated: 2024-07-06. Review status: criteria provided, single submitter. Criteria: Invitae Variant Classification Sherloc (09022015). Collection method: clinical testing. Allele origin: germline.
Comment: This sequence change replaces threonine, which is neutral and polar, with alanine, which is neutral and non-polar, at codon 321 of the CEP89 protein (p.Thr321Ala). This variant is present in population databases (rs150663365, gnomAD 0.02%). This variant has not been reported in the literature in individuals affected with CEP89-related conditions. ClinVar contains an entry for this variant (Variation ID: 2367450). An algorithm developed to predict the effect of missense changes on protein structure and function (PolyPhen-2) suggests that this variant is likely to be disruptive. In summary, the available evidence is currently insufficient to determine the role of this variant in disease. Therefore, it has been classified as a Variant of Uncertain Significance.

Ambry Genetics
Classification: Uncertain significance. Last evaluated: 2021-09-30. Review status: criteria provided, single submitter. Criteria: Ambry Variant Classification Scheme 2023. Collection method: clinical testing. Allele origin: germline.